The following is an entry in ClinVar:

NM_004994.3(MMP9):c.190T>C (p.Ser64Pro)

Gene: MMP9 (matrix metallopeptidase 9; plus strand). Cytogenetic location: 20q13.12.
Variant type: single nucleotide variant.
Coding change: c.190T>C on transcript NM_004994.3 (MANE Select); coding-DNA position 190, T replaced by C.
Protein change: p.Ser64Pro; replaces serine 64 with proline.
Molecular consequence: missense variant.
Genome position (GRCh38, 1-based): chr20:46,009,917, T>C. VCF-style: chr20-46009917-T-C. GRCh37 (hg19) VCF-style: chr20-44638556-T-C.
Other names: short protein forms S64P.
Identifiers: ClinVar variation 4809717 (VCV004809717.1).

ClinVar aggregate classification (germline): Uncertain significance (1 of 4 stars; one submission).

gnomAD v4.1: 1 of 1,551,622 alleles (0.000064%); highest among the groups gnomAD compares: Admixed American, 0.002%; no homozygotes.

Submission:

Labcorp Genetics (formerly Invitae), Labcorp
Classification: Uncertain significance. Last evaluated: 2025-07-13. Review status: criteria provided, single submitter. Criteria: Invitae Variant Classification Sherloc (09022015). Collection method: clinical testing. Allele origin: germline.
Comment: This sequence change replaces serine, which is neutral and polar, with proline, which is neutral and non-polar, at codon 64 of the MMP9 protein (p.Ser64Pro). This variant is present in population databases (no rsID available, gnomAD 0.004%). This variant has not been reported in the literature in individuals affected with MMP9-related conditions. Invitae Evidence Modeling of protein sequence and biophysical properties (such as structural, functional, and spatial information, amino acid conservation, physicochemical variation, residue mobility, and thermodynamic stability) indicates that this missense variant is not expected to disrupt MMP9 protein function with a negative predictive value of 80%. In summary, the available evidence is currently insufficient to determine the role of this variant in disease. Therefore, it has been classified as a Variant of Uncertain Significance.